The following continues an entry in ClinVar:

NM_002693.3(POLG):c.3708G>T (p.Gln1236His)

ClinVar aggregate classification (germline): Benign/Likely benign. Benign (15); Likely benign (2).

Submissions 14 to 23 of 23:

GeneDx
Classification: Benign. Last evaluated: 2015-03-03. Review status: criteria provided, single submitter. Criteria: GeneDx Variant Classification Process June 2021. Collection method: clinical testing. Allele origin: germline. Affected: yes.
Comment: This variant is associated with the following publications: (PMID: 31541998, 15917273, 21038416, 30255931)

Genetic Services Laboratory, University of Chicago
Classification: Benign for AllHighlyPenetrant. Last evaluated: 2013-08-29. Review status: criteria provided, single submitter. Criteria: ACMG Guidelines, 2007. Collection method: clinical testing. Allele origin: germline. Inheritance: Autosomal recessive inheritance.

Breakthrough Genomics
Classification: Likely benign. Review status: criteria provided, single submitter. Criteria: ACMG Guidelines, 2015. Collection method: not provided. Allele origin: germline. Inheritance: Autosomal recessive inheritance. Affected: yes.

PreventionGenetics, part of Exact Sciences
Classification: Benign. Review status: criteria provided, single submitter. Criteria: ACMG Guidelines, 2015. Collection method: clinical testing. Allele origin: germline.

Mayo Clinic Laboratories, Mayo Clinic
Classification: Benign. Last evaluated: 2016-02-22. Review status: no assertion criteria provided. Collection method: clinical testing. Allele origin: unknown. Not counted in ClinVar's aggregate classification.

Clinical Genetics DNA and cytogenetics Diagnostics Lab, Erasmus MC, Erasmus Medical Center
Classification: Benign. Review status: no assertion criteria provided. Collection method: clinical testing. Allele origin: germline. Affected: yes. Study: VKGL Data-share Consensus. Not counted in ClinVar's aggregate classification.

Diagnostic Laboratory, Department of Genetics, University Medical Center Groningen
Classification: Benign. Review status: no assertion criteria provided. Collection method: clinical testing. Allele origin: germline. Affected: yes. Study: VKGL Data-share Consensus. Not counted in ClinVar's aggregate classification.

Genome Diagnostics Laboratory, Amsterdam University Medical Center
Classification: Benign. Review status: no assertion criteria provided. Collection method: clinical testing. Allele origin: germline. Affected: yes. Study: VKGL Data-share Consensus. Not counted in ClinVar's aggregate classification.

Genome Diagnostics Laboratory, University Medical Center Utrecht
Classification: Benign. Review status: no assertion criteria provided. Collection method: clinical testing. Allele origin: germline. Affected: yes. Study: VKGL Data-share Consensus. Not counted in ClinVar's aggregate classification.

Joint Genome Diagnostic Labs from Nijmegen and Maastricht, Radboudumc and MUMC+
Classification: Benign. Review status: no assertion criteria provided. Collection method: clinical testing. Allele origin: germline. Affected: yes. Study: VKGL Data-share Consensus. Not counted in ClinVar's aggregate classification.

Literature cited by the submitters: PubMed 22237560 (cited by Victorian Clinical Genetics Services, Murdoch Childrens Research Institute); PubMed 25488682 (cited by Victorian Clinical Genetics Services, Murdoch Childrens Research Institute); PubMed 28130605 (cited by Victorian Clinical Genetics Services, Murdoch Childrens Research Institute); PubMed 30451971 (cited by Victorian Clinical Genetics Services, Murdoch Childrens Research Institute).